The following is an entry in ClinVar:

NM_000038.6(APC):c.298G>A (p.Glu100Lys)

Gene: APC (APC regulator of Wnt signaling pathway; plus strand). Cytogenetic location: 5q22.2.
Variant type: single nucleotide variant.
Coding change: c.298G>A on transcript NM_000038.6 (MANE Select); coding-DNA position 298, G replaced by A.
Protein change: p.Glu100Lys; replaces glutamic acid 100 with lysine.
Molecular consequence: missense variant. On other transcripts: 5 prime UTR variant (1).
Genome position (GRCh38, 1-based): chr5:112,767,266, G>A. VCF-style: chr5-112767266-G-A. GRCh37 (hg19) VCF-style: chr5-112102963-G-A.
Other names: c.298G>A, p.Glu100Lys (NM_001127510.3, NM_001354895.2, NM_001354896.2 and 2 more transcripts); c.328G>A, p.Glu110Lys (NM_001127511.3, NM_001354897.2, NM_001354902.2); c.223G>A, p.Glu75Lys (NM_001354898.2, NM_001354904.2); c.121G>A, p.Glu41Lys (NM_001354900.2, NM_001354901.2, NM_001354905.2); c.-738G>A (NM_001354906.2); short protein forms E100K, E110K, E41K, E75K.
Identifiers: ClinVar variation 582927 (VCV000582927.12), dbSNP rs1561464319, ClinGen allele CA16021978.

ClinVar aggregate classification (germline): Uncertain significance. Review status: criteria provided, multiple submitters, no conflicts (2 of 4 stars). 2 submissions from 2 submitters: Uncertain significance (2). Last evaluated 2025-12-30.

Conditions:
Hereditary cancer-predisposing syndrome. Also called: Neoplastic Syndromes, Hereditary; Hereditary neoplastic syndrome; Tumor predisposition; Hereditary Cancer Syndrome. Identifiers: Orphanet 140162, MedGen C0027672, MeSH D009386, MONDO:0015356.
Familial adenomatous polyposis 1 (FAP1). Also called: FAMILIAL ADENOMATOUS POLYPOSIS 1, ATTENUATED; POLYPOSIS, ADENOMATOUS INTESTINAL. Identifiers: MedGen C2713442, MONDO:0021056, OMIM 175100. Disease mechanism: loss of function.

Allele frequency attached by ClinVar (database versions not stated): gnomAD 0.00001.
gnomAD v4.1: 1 of 1,614,044 alleles (0.000062%); highest among the groups gnomAD compares: Non-Finnish European, 0.000085%; no homozygotes.

Submissions (2):

Ambry Genetics
Classification: Uncertain significance for Hereditary cancer-predisposing syndrome. Last evaluated: 2025-12-30. Review status: criteria provided, single submitter. Criteria: Ambry Variant Classification Scheme 2023. Collection method: clinical testing. Allele origin: germline.
Comment: The p.E100K variant (also known as c.298G>A), located in coding exon 3 of the APC gene, results from a G to A substitution at nucleotide position 298. The glutamic acid at codon 100 is replaced by lysine, an amino acid with similar properties. This amino acid position is highly conserved in available vertebrate species. In addition, in silico predictors for this gene do not accurately predict pathogenicity. Missense variants in APC are not a common cause of disease (Spier I et al. Genet Med. 2024 Feb;26(2):100992). Based on the available evidence, the clinical significance of this variant remains unclear.

Labcorp Genetics (formerly Invitae), Labcorp
Classification: Uncertain significance for Familial adenomatous polyposis 1. Last evaluated: 2018-11-16. Review status: criteria provided, single submitter. Criteria: Invitae Variant Classification Sherloc (09022015). Collection method: clinical testing. Allele origin: germline.
Comment: This variant is not present in population databases (ExAC no frequency). Algorithms developed to predict the effect of missense changes on protein structure and function do not agree on the potential impact of this missense change (SIFT: "Tolerated"; PolyPhen-2: "Possibly Damaging"; Align-GVGD: "Class C15"). This variant has not been reported in the literature in individuals with APC-related disease. This sequence change replaces glutamic acid with lysine at codon 100 of the APC protein (p.Glu100Lys). The glutamic acid residue is highly conserved and there is a small physicochemical difference between glutamic acid and lysine. In summary, the available evidence is currently insufficient to determine the role of this variant in disease. Therefore, it has been classified as a Variant of Uncertain Significance.